The following is an entry in ClinVar:

NM_003203.5(GCFC2):c.2020C>T (p.Leu674=)

Gene: GCFC2 (GC-rich sequence DNA-binding factor 2; minus strand). Cytogenetic location: 2p12.
Variant type: single nucleotide variant.
Coding change: c.2020C>T on transcript NM_003203.5 (MANE Select); coding-DNA position 2020, C replaced by T.
Protein change: p.Leu674=; no amino-acid change (leucine 674 retained).
Molecular consequence: synonymous variant.
Genome position (GRCh38, 1-based): chr2:75,670,221, G>A on the plus strand (C>T on the coding strand, the complement: GCFC2 is on the minus strand). VCF-style: chr2-75670221-G-A. GRCh37 (hg19) VCF-style: chr2-75897347-G-A.
Other names: c.1513C>T, p.Leu505= (NM_001201334.2); c.1906C>T, p.Leu636= (NM_001410845.1).
Identifiers: ClinVar variation 2651082 (VCV002651082.24), dbSNP rs140229675, ClinGen allele CA1732881.

ClinVar aggregate classification (germline): Likely benign (1 of 4 stars; one submission).

Allele frequency attached by ClinVar (database versions not stated): gnomAD 0.00082; ESP Exome Variant Server 0.00085; gnomAD exomes 0.00090; 1000 Genomes Project 0.00100; TOPMed 0.00101; 1000 Genomes Project 30x 0.00109; ExAC 0.00120.
gnomAD v4.1: 1,499 of 1,605,998 alleles (0.093%); highest among the groups gnomAD compares: Middle Eastern, 2.3%; 8 homozygotes.

Submission:

CeGaT Center for Human Genetics Tuebingen
Classification: Likely benign. Last evaluated: 2022-12-01. Review status: criteria provided, single submitter. Criteria: CeGaT Center For Human Genetics Tuebingen Variant Classification Criteria Version 2. Collection method: clinical testing. Allele origin: germline. Affected: yes. Observed: 1 variant allele.
Comment: GCFC2: BP4, BP7